The following is an entry in ClinVar:

NM_001999.4(FBN2):c.5592T>G (p.Asn1864Lys)

Gene: FBN2 (fibrillin 2; minus strand). Cytogenetic location: 5q23.3.
Variant type: single nucleotide variant.
Coding change: c.5592T>G on transcript NM_001999.4 (MANE Select); coding-DNA position 5592, T replaced by G.
Protein change: p.Asn1864Lys; replaces asparagine 1864 with lysine.
Molecular consequence: missense variant.
Genome position (GRCh38, 1-based): chr5:128,305,593, A>C on the plus strand (T>G on the coding strand, the complement: FBN2 is on the minus strand). VCF-style: chr5-128305593-A-C. GRCh37 (hg19) VCF-style: chr5-127641285-A-C.
Other names: short protein forms N1864K.
Identifiers: ClinVar variation 4536931 (VCV004536931.1).

ClinVar aggregate classification (germline): Uncertain significance (1 of 4 stars; one submission).

gnomAD v4.1: 3 of 1,614,056 alleles (0.00019%); highest among the groups gnomAD compares: Non-Finnish European, 0.00025%; no homozygotes.

Submission:

Women's Health and Genetics/Laboratory Corporation of America, LabCorp
Classification: Uncertain significance. Last evaluated: 2025-11-10. Review status: criteria provided, single submitter. Criteria: LabCorp Variant Classification Summary - May 2015. Collection method: clinical testing. Allele origin: germline.
Comment: Variant summary: FBN2 c.5592T>G (p.Asn1864Lys) results in a non-conservative amino acid change in the encoded protein sequence. Algorithms developed to predict the effect of missense changes on protein structure and function all suggest that this variant is likely to be disruptive. The variant allele was found at a frequency of 4e-06 in 251280 control chromosomes. The available data on variant occurrences in the general population are insufficient to allow any conclusion about variant significance. To our knowledge, no occurrence of c.5592T>G in individuals affected with FBN2-related conditions and no experimental evidence demonstrating its impact on protein function have been reported. No submitters have cited clinical-significance assessments for this variant to ClinVar. Based on the evidence outlined above, the variant was classified as uncertain significance.